The following is an entry in ClinVar:

ClinVar aggregate classification (germline): Pathogenic (1 of 4 stars; one submission).

Submission:

Labcorp Genetics (formerly Invitae), Labcorp
Classification: Pathogenic. Last evaluated: 2022-06-28. Review status: criteria provided, single submitter. Criteria: Invitae Variant Classification Sherloc (09022015). Collection method: clinical testing. Allele origin: germline.
Comment: This sequence change creates a premature translational stop signal (p.Arg77Glyfs*57) in the CSGALNACT1 gene. It is expected to result in an absent or disrupted protein product. Loss-of-function variants in CSGALNACT1 are known to be pathogenic (PMID: 21148564, 27599773, 31325655). This variant is not present in population databases (gnomAD no frequency). This variant has not been reported in the literature in individuals affected with CSGALNACT1-related conditions. For these reasons, this variant has been classified as Pathogenic.

Literature cited by the submitters: PubMed 21148564; PubMed 27599773; PubMed 31325655.

NM_001354483.2(CSGALNACT1):c.229del (p.Arg77fs)

Gene: CSGALNACT1 (chondroitin sulfate N-acetylgalactosaminyltransferase 1; minus strand). Cytogenetic location: 8p21.3.
Variant type: Deletion.
Coding change: c.229del on transcript NM_001354483.2 (MANE Select); coding-DNA position 229, one base deleted (C; older notation c.229delC).
Protein change: p.Arg77fs; shifts the reading frame from arginine 77.
Molecular consequence: frameshift variant. On other transcripts: non-coding transcript variant (7).
Genome position (GRCh38, 1-based): chr8:19,505,606, G deleted on the plus strand (C on the coding strand, the reverse complement: CSGALNACT1 is on the minus strand). VCF-style (leftmost placement, unchanged base first): chr8-19505605-CG-C. GRCh37 (hg19) VCF-style: chr8-19363116-CG-C.
Other names: c.229del, p.Arg77fs (NM_001130518.2, NM_001354475.2, NM_001354476.2 and 18 more transcripts); short protein forms R77fs.
Identifiers: ClinVar variation 2080858 (VCV002080858.1), dbSNP rs2538832890, ClinGen allele CA2580078038.